The following is an entry in ClinVar:

NM_005219.5(DIAPH1):c.3037A>G (p.Thr1013Ala)

Gene: DIAPH1 (diaphanous related formin 1; minus strand). Cytogenetic location: 5q31.3.
Variant type: single nucleotide variant.
Coding change: c.3037A>G on transcript NM_005219.5 (MANE Select); coding-DNA position 3037, A replaced by G.
Protein change: p.Thr1013Ala; replaces threonine 1013 with alanine.
Molecular consequence: missense variant.
Genome position (GRCh38, 1-based): chr5:141,528,564, T>C on the plus strand (A>G on the coding strand, the complement: DIAPH1 is on the minus strand). VCF-style: chr5-141528564-T-C. GRCh37 (hg19) VCF-style: chr5-140908131-T-C.
Other names: c.3010A>G, p.Thr1004Ala (NM_001079812.3); c.3037A>G, p.Thr1013Ala (NM_001314007.2); short protein forms T1004A, T1013A.
Identifiers: ClinVar variation 2938855 (VCV002938855.3), dbSNP rs1385953408, ClinGen allele CA361583497.
Genomic context (GRCh38, chr5:141,528,564, plus strand): 5'-CGGGATAGTCATTCTCACACAACTCAGCCAAGAAGTGTAACAACGTCATCTTCTGATCTG[T>C]GGACTTGGTGTCTCGAAGCTTAGAGAAAGAGGAGAAACTGTTAAATCCTGACATGTCCAA-3'
Protein context (NP_005210.3, residues 1003-1023): FLCKLRDTKS[Thr1013Ala]DQKMTLLHFL

ClinVar aggregate classification (germline): Uncertain significance (1 of 4 stars; one submission).

Conditions:
Progressive microcephaly-seizures-cortical blindness-developmental delay syndrome. Also called: Seizures, cortical blindness, and microcephaly syndrome. Identifiers: Orphanet 477814, MedGen C5567650, MONDO:0014714, OMIM 616632.
Autosomal dominant nonsyndromic hearing loss 1. Also called: KONIGSMARK SYNDROME; DEAFNESS, AUTOSOMAL DOMINANT 1, WITH OR WITHOUT THROMBOCYTOPENIA. Identifiers: Orphanet 90635, MedGen C1852282, MONDO:0007424, OMIM 124900.

Allele frequency attached by ClinVar (database versions not stated): gnomAD exomes below 0.00001.
gnomAD v4.1: 2 of 1,614,206 alleles (0.00012%); highest among the groups gnomAD compares: South Asian, 0.0022%; no homozygotes.

Submission:

Labcorp Genetics (formerly Invitae), Labcorp
Classification: Uncertain significance for Progressive microcephaly-seizures-cortical blindness-developmental delay syndrome; Autosomal dominant nonsyndromic hearing loss 1. Last evaluated: 2023-08-17. Review status: criteria provided, single submitter. Criteria: Invitae Variant Classification Sherloc (09022015). Collection method: clinical testing. Allele origin: germline.
Comment: This variant is present in population databases (no rsID available, gnomAD 0.003%). This variant has not been reported in the literature in individuals affected with DIAPH1-related conditions. Algorithms developed to predict the effect of missense changes on protein structure and function output the following: SIFT: "Not Available"; PolyPhen-2: "Benign"; Align-GVGD: "Not Available". The alanine amino acid residue is found in multiple mammalian species, which suggests that this missense change does not adversely affect protein function. In summary, the available evidence is currently insufficient to determine the role of this variant in disease. Therefore, it has been classified as a Variant of Uncertain Significance. This sequence change replaces threonine, which is neutral and polar, with alanine, which is neutral and non-polar, at codon 1013 of the DIAPH1 protein (p.Thr1013Ala).